The following is an entry in ClinVar:

NM_001103.4(ACTN2):c.9G>T (p.Gln3His)

Gene: ACTN2 (actinin alpha 2; plus strand). Cytogenetic location: 1q43.
Variant type: single nucleotide variant.
Coding change: c.9G>T on transcript NM_001103.4 (MANE Select); coding-DNA position 9, G replaced by T.
Protein change: p.Gln3His; replaces glutamine 3 with histidine.
Molecular consequence: missense variant. On other transcripts: 5 prime UTR variant (1).
Genome position (GRCh38, 1-based): chr1:236,686,682, G>T. VCF-style: chr1-236686682-G-T. GRCh37 (hg19) VCF-style: chr1-236849982-G-T.
Other names: c.9G>T, p.Gln3His (NM_001278343.2); c.-813G>T (NM_001278344.2); short protein forms Q3H.
Identifiers: ClinVar variation 532045 (VCV000532045.9), dbSNP rs1553295387, ClinGen allele CA345358060.
Genomic context (GRCh38, chr1:236,686,682, plus strand): 5'-CCGTGCGTCCGAGCCCCTCGCGCCCCGCCGCAGCCCCGGCCAACCGAGCGCCATGAACCA[G>T]ATAGAGCCCGGCGTGCAGTACAACTACGTGTACGACGAGGATGAGTACATGATCCAGGAG-3'
Protein context (NP_001094.1, residues 1-13): MN[Gln3His]IEPGVQYNYV

ClinVar aggregate classification (germline): Uncertain significance (1 of 4 stars; one submission).

Conditions:
Dilated cardiomyopathy 1AA (CMD1AA). Also called: CARDIOMYOPATHY, DILATED, 1AA, WITH OR WITHOUT LEFT VENTRICULAR NONCOMPACTION; CARDIOMYOPATHY, FAMILIAL HYPERTROPHIC, 23, WITH OR WITHOUT LEFT VENTRICULAR NONCOMPACTION; Cardiomyopathy, dilated, 1AA, with or without LVNC. Identifiers: Orphanet 154, MedGen C2677338, MONDO:0012808, OMIM 612158.
Primary familial hypertrophic cardiomyopathy (HCM). Identifiers: Orphanet 99739, MedGen C0949658, MeSH D024741, MONDO:0024573. Inheritance: Various modes of inheritance.

Submission:

Labcorp Genetics (formerly Invitae), Labcorp
Classification: Uncertain significance for Primary familial hypertrophic cardiomyopathy; Dilated cardiomyopathy 1AA. Last evaluated: 2022-03-09. Review status: criteria provided, single submitter. Criteria: Invitae Variant Classification Sherloc (09022015). Collection method: clinical testing. Allele origin: germline.
Comment: In summary, the available evidence is currently insufficient to determine the role of this variant in disease. Therefore, it has been classified as a Variant of Uncertain Significance. Algorithms developed to predict the effect of missense changes on protein structure and function are either unavailable or do not agree on the potential impact of this missense change (SIFT: "Deleterious"; PolyPhen-2: "Benign"; Align-GVGD: "Class C0"). ClinVar contains an entry for this variant (Variation ID: 532045). This variant has not been reported in the literature in individuals affected with ACTN2-related conditions. This variant is not present in population databases (gnomAD no frequency). This sequence change replaces glutamine, which is neutral and polar, with histidine, which is basic and polar, at codon 3 of the ACTN2 protein (p.Gln3His).